The following is an entry in ClinVar:

ClinVar aggregate classification (germline): Benign (1 of 4 stars; one submission).

Allele frequency attached by ClinVar (database versions not stated): ESP Exome Variant Server 0.26888; TOPMed 0.27093; 1000 Genomes Project 0.27376; 1000 Genomes Project 30x 0.28092.
gnomAD v4.1: 215,603 of 1,562,324 alleles (14%); highest among the groups gnomAD compares: African/African-American, 57%; 23,444 homozygotes.

Submission:

Unidad de Genómica Garrahan, Hospital de Pediatría Garrahan
Classification: Benign. Last evaluated: 2024-01-24. Review status: criteria provided, single submitter. Criteria: ACMG Guidelines, 2015. Collection method: clinical testing. Allele origin: germline. Affected: no. Observed: 27 variant alleles.
Comment: This variant is classified as Benign based on local population frequency. This variant was detected in 28% of patients studied by a panel of primary immunodeficiencies. Number of patients: 27. Only high quality variants are reported.

NM_016128.4(COPG1):c.1775-45G>A

Gene: COPG1 (COPI coat complex subunit gamma 1; plus strand). Cytogenetic location: 3q21.3.
Variant type: single nucleotide variant.
Coding change: c.1775-45G>A on transcript NM_016128.4 (MANE Select); 45 bases into the intron before coding-DNA position 1775, G replaced by A.
Molecular consequence: intron variant.
Genome position (GRCh38, 1-based): chr3:129,268,887, G>A. VCF-style: chr3-129268887-G-A. GRCh37 (hg19) VCF-style: chr3-128987730-G-A.
Identifiers: ClinVar variation 2688268 (VCV002688268.2), dbSNP rs10934875, ClinGen allele CA2603987.